The following is an entry in ClinVar:

ClinVar aggregate classification (germline): Likely benign. Review status: reviewed by expert panel (3 of 4 stars). 5 submissions from 5 submitters: Likely benign (1). 4 of the submissions do not count toward it. Last evaluated 2024-01-23.

Conditions:
T-B+ severe combined immunodeficiency due to JAK3 deficiency. Also called: SCID, T CELL-NEGATIVE, B CELL-POSITIVE, NK CELL-NEGATIVE; SCID, autosomal recessive, T-negative/B-positive type. Identifiers: Orphanet 35078, MedGen C1833275, MONDO:0010938, OMIM 600802.

Allele frequency attached by ClinVar (database versions not stated): gnomAD below 0.00001 and 0.00010; 1000 Genomes Project 30x 0.00031; gnomAD exomes 0.00036; ExAC 0.00039; 1000 Genomes Project 0.00040.
gnomAD v4.1: 285 of 1,613,882 alleles (0.018%); highest among the groups gnomAD compares: South Asian, 0.3%; no homozygotes.

Submissions (5):

ClinGen Severe Combined Immunodeficiency Variant Curation Expert Panel, ClinGen
Classification: Likely benign for T-B+ severe combined immunodeficiency due to JAK3 deficiency. Last evaluated: 2024-01-23. Review status: reviewed by expert panel. Criteria: ClinGen SCID ACMG Specifications JAK3 V1.0.0. Collection method: curation. Allele origin: germline. Inheritance: Autosomal recessive inheritance.
Comment: The c.938G>A (NM_000215.4) variant in JAK3 is a missense variant predicted to cause the substitution of Glycine by Glutamic Acid at amino acid 313 (p.Gly313Glu). The filtering allele frequency (the lower threshold of the 95% CI of 90/30614) of the c.938G>A variant in JAK3 is 0.002449 for South Asian chromosomes by gnomAD v2.1., which is higher than the ClinGen SCID VCEP threshold (>0.001) for BS1, and therefore meets this criterion (BS1). No homozygotes have been observed in gnomAD. (BS2 is not met). To our knowledge, this variant has not been reported in the literature in individuals affected with JAK3-related conditions or in functional studies. In summary, this variant meets the criteria to be classified as Likely Benign for autosomal recessive T-B+ severe combined immunodeficiency due to JAK3 deficiency based on the ACMG/AMP criteria applied, as specified by the ClinGen SCID VCEP. Criteria applied: BS1 (VCEP specifications version 1.0).

Labcorp Genetics (formerly Invitae), Labcorp
Classification: Likely benign for T-B+ severe combined immunodeficiency due to JAK3 deficiency. Last evaluated: 2026-01-20. Review status: criteria provided, single submitter. Criteria: Invitae Variant Classification Sherloc (09022015). Collection method: clinical testing. Allele origin: germline. Not counted in ClinVar's aggregate classification.

Blueprint Genetics
Classification: Uncertain significance. Last evaluated: 2024-10-23. Review status: criteria provided, single submitter. Criteria: ACMG Guidelines, 2015. Collection method: clinical testing. Allele origin: germline. Not counted in ClinVar's aggregate classification.

Center for Genomics, Ann and Robert H. Lurie Children's Hospital of Chicago
Classification: Uncertain significance for T-B+ severe combined immunodeficiency due to JAK3 deficiency. Last evaluated: 2022-01-27. Review status: criteria provided, single submitter. Criteria: ACMG Guidelines, 2015. Collection method: clinical testing. Allele origin: germline. Not counted in ClinVar's aggregate classification.
Comment: JAK3 NM_000215.3 exon 7 p.Gly313Glu (c.938G>A): This variant has not been reported in the literature but is present in 0.3% (15/4832) of South Asian alleles in the Genome Aggregation Database. This variant is present in ClinVar (Variation ID:733403). Evolutionary conservation and computational predictive tools suggest that this variant may not impact the protein. In summary, data on this variant is insufficient for disease classification. Therefore, the clinical significance of this variant is uncertain.

Illumina Laboratory Services, Illumina
Classification: Uncertain significance for T-B+ severe combined immunodeficiency due to JAK3 deficiency. Last evaluated: 2018-01-13. Review status: criteria provided, single submitter. Criteria: ICSL Variant Classification Criteria 13 December 2019. Collection method: clinical testing. Allele origin: germline. Not counted in ClinVar's aggregate classification.

NM_000215.4(JAK3):c.938G>A (p.Gly313Glu)

Gene: JAK3 (Janus kinase 3; minus strand). Cytogenetic location: 19p13.11.
Variant type: single nucleotide variant.
Coding change: c.938G>A on transcript NM_000215.4 (MANE Select); coding-DNA position 938, G replaced by A.
Protein change: p.Gly313Glu; replaces glycine 313 with glutamic acid.
Molecular consequence: missense variant.
Genome position (GRCh38, 1-based): chr19:17,841,686, C>T on the plus strand (G>A on the coding strand, the complement: JAK3 is on the minus strand). VCF-style: chr19-17841686-C-T. GRCh37 (hg19) VCF-style: chr19-17952495-C-T.
Other names: NM_000215.4(JAK3):c.938G>A; p.Gly313Glu; short protein forms G313E.
Identifiers: ClinVar variation 733403 (VCV000733403.18), dbSNP rs200319694, ClinGen allele CA9302028.
Genomic context (GRCh38, chr19:17,841,686, plus strand): 5'-AATCCTGCACCCACTAAAATCTGGTTGTCTGTCCTGGTAACAGTGACCAGGCGGTGCTCT[C>T]CGGCCGGGCCAACGCGCGGGGCCTGCTTGATGCTAATGTCTACGATTTCTGGAAAGTCGC-3'
Protein context (NP_000206.2, residues 303-323): IKQAPRVGPA[Gly313Glu]EHRLVTVTRT